The following is an entry in ClinVar:

ClinVar aggregate classification (germline): Likely benign. Review status: criteria provided, single submitter (1 of 4 stars). 2 submissions from 2 submitters: Likely benign (1). 1 of the submissions does not count toward it. Last evaluated 2026-01-14.

Conditions:
SBF1-related disorder. Also called: SBF1-related condition.

gnomAD v4.1: 10 of 1,577,280 alleles (0.00063%); highest among the groups gnomAD compares: Non-Finnish European, 0.00086%; no homozygotes.

Submissions (2):

Labcorp Genetics (formerly Invitae), Labcorp
Classification: Likely benign. Last evaluated: 2026-01-14. Review status: criteria provided, single submitter. Criteria: Invitae Variant Classification Sherloc (09022015). Collection method: clinical testing. Allele origin: germline.

PreventionGenetics, part of Exact Sciences
Classification: Likely benign for SBF1-related condition. Last evaluated: 2019-03-13. Review status: no assertion criteria provided. Collection method: clinical testing. Allele origin: germline. Not counted in ClinVar's aggregate classification.
Comment: This variant is classified as likely benign based on ACMG/AMP sequence variant interpretation guidelines (Richards et al. 2015 PMID: 25741868, with internal and published modifications).

NM_002972.4(SBF1):c.4041G>T (p.Pro1347=)

Gene: SBF1 (SET binding factor 1; minus strand). Cytogenetic location: 22q13.33.
Variant type: single nucleotide variant.
Coding change: c.4041G>T on transcript NM_002972.4 (MANE Select); coding-DNA position 4041, G replaced by T.
Protein change: p.Pro1347=; no amino-acid change (proline 1347 retained).
Molecular consequence: synonymous variant.
Genome position (GRCh38, 1-based): chr22:50,456,537, C>A on the plus strand (G>T on the coding strand, the complement: SBF1 is on the minus strand). VCF-style: chr22-50456537-C-A. GRCh37 (hg19) VCF-style: chr22-50894966-C-A.
Other names: c.3966G>T, p.Pro1322= (NM_001365819.1); c.4041G>T (NM_002972.3).
Identifiers: ClinVar variation 1559889 (VCV001559889.10), dbSNP rs560672186, ClinGen allele CA10316423.
Genomic context (GRCh38, chr22:50,456,537, plus strand): 5'-CCGCACCCCAGTCACCTTGAGCTGGGCTTTGTCCCCAAGGATATAGAGGGCTGCTCGCTG[C>A]GGACGCAGGAAGCCCGGGTCGGGAGGGCCCCCGTTGGCCTGGGGTGGGGCCAGCGCGTCT-3'
Protein context (NP_002963.2, residues 1337-1357): GGPPDPGFLR[Pro1347=]QRAALYILGD